The following is an entry in ClinVar:

NM_000256.3(MYBPC3):c.1246G>T (p.Gly416Cys)

Gene: MYBPC3 (myosin binding protein C3; minus strand). Cytogenetic location: 11p11.2.
Variant type: single nucleotide variant.
Coding change: c.1246G>T on transcript NM_000256.3 (MANE Select); coding-DNA position 1246, G replaced by T.
Protein change: p.Gly416Cys; replaces glycine 416 with cysteine.
Molecular consequence: missense variant.
Genome position (GRCh38, 1-based): chr11:47,343,126, C>A on the plus strand (G>T on the coding strand, the complement: MYBPC3 is on the minus strand). VCF-style: chr11-47343126-C-A. GRCh37 (hg19) VCF-style: chr11-47364677-C-A.
Other names: short protein forms G416C.
Identifiers: ClinVar variation 2773747 (VCV002773747.3), dbSNP rs371513491, ClinGen allele CA380327659.

ClinVar aggregate classification (germline): Uncertain significance. Review status: criteria provided, multiple submitters, no conflicts (2 of 4 stars). 2 submissions from 2 submitters: Uncertain significance (2). Last evaluated 2025-04-01.

Conditions:
Hypertrophic cardiomyopathy. Also called: HYPERTROPHIC MYOCARDIOPATHY. Identifiers: Orphanet 217569, MedGen C0007194, MeSH D002312, MONDO:0005045, HP:0001639.
Cardiomyopathy (CMYO). Also called: Cardiomyopathies. Identifiers: Orphanet 167848, MedGen C0878544, MONDO:0004994, HP:0001638. Inheritance: Various modes of inheritance.

gnomAD v4.1: 1 of 1,611,562 alleles (0.000062%); highest among the groups gnomAD compares: Non-Finnish European, 0.000085%; no homozygotes.

Submissions (2):

Labcorp Genetics (formerly Invitae), Labcorp
Classification: Uncertain significance for Hypertrophic cardiomyopathy. Last evaluated: 2025-04-01. Review status: criteria provided, single submitter. Criteria: Invitae Variant Classification Sherloc (09022015). Collection method: clinical testing. Allele origin: germline.
Comment: This sequence change replaces glycine, which is neutral and non-polar, with cysteine, which is neutral and slightly polar, at codon 416 of the MYBPC3 protein (p.Gly416Cys). This variant is not present in population databases (gnomAD no frequency). This missense change has been observed in individual(s) with clinical features of dilated cardiomyopathy (internal data). ClinVar contains an entry for this variant (Variation ID: 2773747). An algorithm developed to predict the effect of missense changes on protein structure and function (PolyPhen-2) suggests that this variant is likely to be disruptive. In summary, the available evidence is currently insufficient to determine the role of this variant in disease. Therefore, it has been classified as a Variant of Uncertain Significance.

Color Diagnostics, LLC DBA Color Health
Classification: Uncertain significance for Cardiomyopathy. Last evaluated: 2023-02-16. Review status: criteria provided, single submitter. Criteria: ACMG Guidelines, 2015. Collection method: clinical testing. Allele origin: germline.
Comment: This missense variant replaces glycine with cysteine at codon 416 of the MYBPC3 protein. Computational prediction is inconclusive regarding the impact of this variant on protein structure and function (internally defined REVEL score threshold 0.5 < inconclusive < 0.7, PMID: 27666373). To our knowledge, functional studies have not been reported for this variant. This variant has not been reported in individuals affected with MYBPC3-related disorders in the literature. This variant has not been identified in the general population by the Genome Aggregation Database (gnomAD). The available evidence is insufficient to determine the role of this variant in disease conclusively. Therefore, this variant is classified as a Variant of Uncertain Significance.